The following is an entry in ClinVar:

NM_000393.5(COL5A2):c.1102A>C (p.Met368Leu)

Gene: COL5A2 (collagen type V alpha 2 chain; minus strand). Cytogenetic location: 2q32.2.
Variant type: single nucleotide variant.
Coding change: c.1102A>C on transcript NM_000393.5 (MANE Select); coding-DNA position 1102, A replaced by C.
Protein change: p.Met368Leu; replaces methionine 368 with leucine.
Molecular consequence: missense variant.
Genome position (GRCh38, 1-based): chr2:189,075,395, T>G on the plus strand (A>C on the coding strand, the complement: COL5A2 is on the minus strand). VCF-style: chr2-189075395-T-G. GRCh37 (hg19) VCF-style: chr2-189940121-T-G.
Other names: short protein forms M368L.
Identifiers: ClinVar variation 1512445 (VCV001512445.8), dbSNP rs776312058, ClinGen allele CA349855254.
Genomic context (GRCh38, chr2:189,075,395, plus strand): 5'-ACAAATGGAAGAATGCATGAATAAATTAATGAATTAATATGAAAATAATATAACTCACCA[T>G]TGGTCCAGGTTTTCCAGGCATACCATGTGCACCTCGTTGTCCCTAATTAAGAGAAAAAGA-3'
Protein context (NP_000384.2, residues 358-378): AHGMPGKPGP[Met368Leu]GPLGIPGSSG

ClinVar aggregate classification (germline): Uncertain significance (1 of 4 stars; one submission).

Conditions:
Ehlers-Danlos syndrome, classic type, 1 (EDSCL1). Also called: EHLERS-DANLOS SYNDROME, GRAVIS TYPE; EHLERS-DANLOS SYNDROME, SEVERE CLASSIC TYPE; Ehlers-Danlos syndrome, type 1; Ehlers-Danlos Syndrome, Classic Type, COL5A1-Related; EDS I. Identifiers: MedGen C0268335, MONDO:0019567, OMIM 130000.

Submission:

Labcorp Genetics (formerly Invitae), Labcorp
Classification: Uncertain significance for Ehlers-Danlos syndrome, classic type, 1. Last evaluated: 2020-12-27. Review status: criteria provided, single submitter. Criteria: Invitae Variant Classification Sherloc (09022015). Collection method: clinical testing. Allele origin: germline.
Comment: In summary, the available evidence is currently insufficient to determine the role of this variant in disease. Therefore, it has been classified as a Variant of Uncertain Significance. Algorithms developed to predict the effect of missense changes on protein structure and function are either unavailable or do not agree on the potential impact of this missense change (SIFT: "Deleterious"; PolyPhen-2: "Benign"; Align-GVGD: "Class C0"). This variant has not been reported in the literature in individuals with COL5A2-related conditions. This variant is not present in population databases (ExAC no frequency). This sequence change replaces methionine with leucine at codon 368 of the COL5A2 protein (p.Met368Leu). The methionine residue is highly conserved and there is a small physicochemical difference between methionine and leucine.